The following is an entry in ClinVar:

ClinVar aggregate classification (germline): Likely pathogenic. Review status: criteria provided, multiple submitters, no conflicts (2 of 4 stars). 2 submissions from 2 submitters: Likely pathogenic (2). Last evaluated 2019-02-01.

Conditions:
TTN-related disorder. Also called: TTN-related condition; TTN-related disease; TTN-related disorders.
Dilated cardiomyopathy 1G (CMD1G). Identifiers: Orphanet 154, MedGen C1858763, MONDO:0011400, OMIM 604145.
Autosomal recessive limb-girdle muscular dystrophy type 2J (LGMDR10). Also called: Limb-girdle muscular dystrophy, type 2J; MUSCULAR DYSTROPHY, LIMB-GIRDLE, AUTOSOMAL RECESSIVE 10. Identifiers: Orphanet 140922, MedGen C1837342, MONDO:0012127, OMIM 608807.

Submissions (2):

Labcorp Genetics (formerly Invitae), Labcorp
Classification: Likely pathogenic for Dilated cardiomyopathy 1G; Autosomal recessive limb-girdle muscular dystrophy type 2J. Last evaluated: 2019-02-01. Review status: criteria provided, single submitter. Criteria: Invitae Variant Classification Sherloc (09022015). Collection method: clinical testing. Allele origin: germline.
Comment: In summary, the currently available evidence indicates that the variant is pathogenic, but additional data are needed to prove that conclusively. Therefore, this variant has been classified as Likely Pathogenic. This variant is located in the A band of TTN (PMID: 25589632). Truncating variants in this region are significantly overrepresented in patients affected with dilated cardiomyopathy (PMID: 25589632). Truncating variants in this region have also been reported in individuals affected with autosomal recessive centronuclear myopathy (PMID: 23975875). This variant is not present in population databases (ExAC no frequency). This sequence change results in a premature translational stop signal in the TTN gene (p.Asn16335Lysfs*17). While this is not anticipated to result in nonsense mediated decay, it is expected to create a truncated TTN protein.

Blueprint Genetics
Classification: Likely pathogenic for TTN-related disorders. Last evaluated: 2017-05-16. Review status: criteria provided, single submitter. Criteria: ACMG Guidelines, 2015. Collection method: clinical testing. Allele origin: germline. Affected: yes. Observed: 1 variant allele.

Literature cited by the submitters: PubMed 25589632 (cited by Labcorp Genetics (formerly Invitae), Labcorp); PubMed 23975875 (cited by Labcorp Genetics (formerly Invitae), Labcorp).

NM_001267550.2(TTN):c.49004dup (p.Asn16335fs)

Genes: TTN (titin; minus strand), TTN-AS1 (TTN antisense RNA 1; plus strand), LOC126806426 (BRD4-independent group 4 enhancer GRCh37_chr2:179478848-179480047; plus strand). Cytogenetic location: 2q31.2.
Variant type: Duplication.
Coding change: c.49004dup on transcript NM_001267550.2 (MANE Select); coding-DNA position 49004, one base duplicated (A; older notation c.49004dupA).
Protein change: p.Asn16335fs; shifts the reading frame from asparagine 16335.
Molecular consequence: frameshift variant. On other transcripts: non-coding transcript variant (1).
Genome position (GRCh38, 1-based): chr2:178,614,510, T duplicated on the plus strand (A on the coding strand, the reverse complement: TTN is on the minus strand); the first of 2 consecutive T bases (chr2:178,614,510-178,614,511); duplicating either gives the same sequence. VCF-style (leftmost placement, unchanged base first): chr2-178614509-A-AT. GRCh37 (hg19) VCF-style: chr2-179479236-A-AT.
Other names: c.44081dup, p.Asn14694fs (NM_001256850.1); c.21809dup, p.Asn7270fs (NM_003319.4); c.41300dup, p.Asn13767fs (NM_133378.4); c.22184dup, p.Asn7395fs (NM_133432.3); c.22385dup, p.Asn7462fs (NM_133437.4); c.49004dupA (NM_001267550.1); short protein forms N7462fs, N16335fs, N7270fs, N14694fs, N13767fs, N7395fs.
Identifiers: ClinVar variation 636404 (VCV000636404.12), dbSNP rs1576461647, ClinGen allele CA658761348.